The following is an entry in ClinVar:

ClinVar aggregate classification (germline): Uncertain significance (1 of 4 stars; one submission).

Submission:

Labcorp Genetics (formerly Invitae), Labcorp
Classification: Uncertain significance. Last evaluated: 2026-02-02. Review status: criteria provided, single submitter. Criteria: Invitae Variant Classification Sherloc (09022015). Collection method: clinical testing. Allele origin: germline.
Comment: This variant, c.465_467dup, results in the insertion of 1 amino acid(s) of the KPNA7 protein (p.Gly156dup), but otherwise preserves the integrity of the reading frame. This variant is present in population databases (no rsID available, gnomAD 0.002%). This variant has not been reported in the literature in individuals affected with KPNA7-related conditions. ClinVar contains an entry for this variant (Variation ID: 1360167). Experimental studies and prediction algorithms are not available or were not evaluated, and the functional significance of this variant is currently unknown. In summary, the available evidence is currently insufficient to determine the role of this variant in disease. Therefore, it has been classified as a Variant of Uncertain Significance.

NM_001145715.3(KPNA7):c.465_467dup (p.Gly156dup)

Gene: KPNA7 (karyopherin subunit alpha 7; minus strand). Cytogenetic location: 7q22.1.
Variant type: Duplication.
Coding change: c.465_467dup on transcript NM_001145715.3 (MANE Select); coding-DNA positions 465 to 467, 3 bases duplicated (GGG; older notation c.465_467dupGGG).
Protein change: p.Gly156dup; duplicates glycine 156.
Molecular consequence: inframe insertion.
Genome position (GRCh38, 1-based): chr7:99,195,156-99,195,158, CCC duplicated on the plus strand (GGG on the coding strand, the reverse complement: KPNA7 is on the minus strand); duplicating any 3 consecutive bases within chr7:99,195,156-99,195,160 gives the same sequence; the c. name uses the placement nearest the transcript's 3' end. VCF-style (leftmost placement, unchanged base first): chr7-99195155-T-TCCC. GRCh37 (hg19) VCF-style: chr7-98792778-T-TCCC.
Identifiers: ClinVar variation 1360167 (VCV001360167.6), dbSNP rs754954968, ClinGen allele CA576719989.
Genomic context (GRCh38, chr7:99,195,155, plus strand): 5'-TGCCTGTTCACACACAGCCACGTTGGAGGAAGACAGGAGCTCAATCAAGGGCTGGATGGC[T>TCCC]CCCCCTTCTACCACGGCACGAGTCTGCTCCGAAGTCCCTGAAGCGATGTTGGTCAGGGCC-3'